The following is an entry in ClinVar:

ClinVar aggregate classification (germline): Uncertain significance (1 of 4 stars; one submission).

Conditions:
Cerebral cavernous malformation 3. Also called: Familial Cerebral Cavernous Malformation 3. Identifiers: Orphanet 221061, MedGen C1864040, MONDO:0011305, OMIM 603285.

Allele frequency attached by ClinVar (database versions not stated): gnomAD exomes below 0.00001; TOPMed 0.00001.

Submission:

Labcorp Genetics (formerly Invitae), Labcorp
Classification: Uncertain significance for Cerebral cavernous malformation 3. Last evaluated: 2023-08-24. Review status: criteria provided, single submitter. Criteria: Invitae Variant Classification Sherloc (09022015). Collection method: clinical testing. Allele origin: germline.
Comment: This sequence change replaces tyrosine, which is neutral and polar, with histidine, which is basic and polar, at codon 91 of the PDCD10 protein (p.Tyr91His). This variant is present in population databases (no rsID available, gnomAD 0.01%). This variant has not been reported in the literature in individuals affected with PDCD10-related conditions. An algorithm developed to predict the effect of missense changes on protein structure and function (PolyPhen-2) suggests that this variant is likely to be disruptive. In summary, the available evidence is currently insufficient to determine the role of this variant in disease. Therefore, it has been classified as a Variant of Uncertain Significance.

NM_007217.4(PDCD10):c.271T>C (p.Tyr91His)

Gene: PDCD10 (programmed cell death 10; minus strand). Cytogenetic location: 3q26.1.
Variant type: single nucleotide variant.
Coding change: c.271T>C on transcript NM_007217.4 (MANE Select); coding-DNA position 271, T replaced by C.
Protein change: p.Tyr91His; replaces tyrosine 91 with histidine.
Molecular consequence: missense variant.
Genome position (GRCh38, 1-based): chr3:167,695,720, A>G on the plus strand (T>C on the coding strand, the complement: PDCD10 is on the minus strand). VCF-style: chr3-167695720-A-G. GRCh37 (hg19) VCF-style: chr3-167413508-A-G.
Other names: c.271T>C, p.Tyr91His (NM_145859.2, NM_145860.2); short protein forms Y91H.
Identifiers: ClinVar variation 2899177 (VCV002899177.3), dbSNP rs1168525956, ClinGen allele CA355154671.
Genomic context (GRCh38, chr3:167,695,720, plus strand): 5'-TAAGTGCTCGTGCCTTTTCGTTTAGGTCTTGGAATTCTGGCTCTGGTCGTTCAATCATAT[A>G]CTCTGATAAAATAAATACATAATAAAAAACATCCTGCGACTCTCTGCCAAATTCATCACA-3'
Protein context (NP_009148.2, residues 81-101): LRMAADDVEE[Tyr91His]MIERPEPEFQ